The following is an entry in ClinVar:

ClinVar aggregate classification (germline): Uncertain significance (1 of 4 stars; one submission).

Allele frequency attached by ClinVar (database versions not stated): gnomAD exomes 0.00001 and 0.00008; gnomAD 0.00003; TOPMed 0.00003; ExAC 0.00006; 1000 Genomes Project 30x 0.00016; 1000 Genomes Project 0.00020.
gnomAD v4.1: 20 of 1,614,024 alleles (0.0012%); highest among the groups gnomAD compares: East Asian, 0.038%; no homozygotes.

Submission:

GeneDx
Classification: Uncertain significance. Last evaluated: 2021-01-22. Review status: criteria provided, single submitter. Criteria: GeneDx Variant Classification Process June 2021. Collection method: clinical testing. Allele origin: germline. Affected: yes.
Comment: In silico analysis supports that this missense variant does not alter protein structure/function; This variant is associated with the following publications: (PMID: 30564305)

NM_001378452.1(ITPR1):c.3442G>A (p.Gly1148Ser)

Gene: ITPR1 (inositol 1,4,5-trisphosphate receptor type 1; plus strand). Cytogenetic location: 3p26.1.
Variant type: single nucleotide variant.
Coding change: c.3442G>A on transcript NM_001378452.1 (MANE Select); coding-DNA position 3442, G replaced by A.
Protein change: p.Gly1148Ser; replaces glycine 1148 with serine.
Molecular consequence: missense variant.
Genome position (GRCh38, 1-based): chr3:4,683,742, G>A. VCF-style: chr3-4683742-G-A. GRCh37 (hg19) VCF-style: chr3-4725426-G-A.
Other names: c.3415G>A, p.Gly1139Ser (NM_001099952.4); c.3397G>A, p.Gly1133Ser (NM_001168272.2); c.3370G>A, p.Gly1124Ser (NM_002222.7); short protein forms G1124S, G1133S, G1139S, G1148S.
Identifiers: ClinVar variation 1305439 (VCV001305439.2), dbSNP rs542241167, ClinGen allele CA2231662.